The following is an entry in ClinVar:

NM_000421.5(KRT10):c.321C>T (p.Phe107=)

Genes: KRT10 (keratin 10; minus strand), KRT10-AS1 (KRT10 antisense RNA 1; plus strand). Cytogenetic location: 17q21.2.
Variant type: single nucleotide variant.
Coding change: c.321C>T on transcript NM_000421.5 (MANE Select); coding-DNA position 321, C replaced by T.
Protein change: p.Phe107=; no amino-acid change (phenylalanine 107 retained).
Molecular consequence: synonymous variant.
Genome position (GRCh38, 1-based): chr17:40,822,265, G>A on the plus strand (C>T on the coding strand, the complement: KRT10 is on the minus strand). VCF-style: chr17-40822265-G-A. GRCh37 (hg19) VCF-style: chr17-38978517-G-A.
Other names: c.321C>T, p.Phe107= (NM_001379366.1).
Identifiers: ClinVar variation 2084352 (VCV002084352.25), dbSNP rs762441858, ClinGen allele CA8548319.
Genomic context (GRCh38, chr17:40,822,265, plus strand): 5'-AAAGCCGCCTCCACCAAAGCCGCCTCCACCAAAGCTGCCCCCACCAAAGCTGCCACCTCC[G>A]AAACTGCCCCCTCCAAAGATGCCTCCATAACTCCCACCAAAGCTGCTACTTCCATAGCTT-3'
Protein context (NP_000412.4, residues 97-117): SYGGIFGGGS[Phe107=]GGGSFGGGSF

ClinVar aggregate classification (germline): Benign/Likely benign. Review status: criteria provided, multiple submitters, no conflicts (2 of 4 stars). 2 submissions from 2 submitters: Benign (1); Likely benign (1). Last evaluated 2024-10-24.

Allele frequency attached by ClinVar (database versions not stated): gnomAD exomes 0.00020; gnomAD 0.00021; TOPMed 0.00023; ExAC 0.00027.
gnomAD v4.1: 337 of 1,599,970 alleles (0.021%); highest among the groups gnomAD compares: Non-Finnish European, 0.007%; 2 homozygotes.

Submissions (2):

Labcorp Genetics (formerly Invitae), Labcorp
Classification: Benign. Last evaluated: 2024-10-24. Review status: criteria provided, single submitter. Criteria: Invitae Variant Classification Sherloc (09022015). Collection method: clinical testing. Allele origin: germline.

CeGaT Center for Human Genetics Tuebingen
Classification: Likely benign. Last evaluated: 2024-03-01. Review status: criteria provided, single submitter. Criteria: CeGaT Center For Human Genetics Tuebingen Variant Classification Criteria Version 2. Collection method: clinical testing. Allele origin: germline. Affected: yes. Observed: 1 variant allele.
Comment: KRT10: BP4, BP7